The following is an entry in ClinVar:

NM_016169.4(SUFU):c.1432G>A (p.Val478Met)

Gene: SUFU (SUFU negative regulator of hedgehog signaling; plus strand). Cytogenetic location: 10q24.32.
Variant type: single nucleotide variant.
Coding change: c.1432G>A on transcript NM_016169.4 (MANE Select); coding-DNA position 1432, G replaced by A.
Protein change: p.Val478Met; replaces valine 478 with methionine.
Molecular consequence: missense variant.
Genome position (GRCh38, 1-based): chr10:102,630,132, G>A. VCF-style: chr10-102630132-G-A. GRCh37 (hg19) VCF-style: chr10-104389889-G-A.
Other names: short protein forms V478M.
Identifiers: ClinVar variation 3760278 (VCV003760278.2).
Genomic context (GRCh38, chr10:102,630,132, plus strand): 5'-CTTCCCAAAGAGTACAGCTGGCCTGAAAAGAAGCTGAAGGTCTCCATCCTGCCTGACGTG[G>A]TGTTCGACAGTCCGCTACACTAGCCTGGGCTGGGCCCTGCAGTGGCCAGCAGGGAGCCCA-3'
Protein context (NP_057253.2, residues 468-484): KLKVSILPDV[Val478Met]FDSPLH

ClinVar aggregate classification (germline): Uncertain significance (1 of 4 stars; one submission).

Conditions:
Gorlin syndrome. Also called: Basal cell nevus syndrome; Nevoid Basal Cell Carcinoma Syndrome. Identifiers: Orphanet 377, MedGen C0004779, MONDO:0007187.
Medulloblastoma (MDB). Also called: MEDULLOBLASTOMA PREDISPOSITION SYNDROME; Medulloblastoma, somatic. Identifiers: Orphanet 616, MedGen C0025149, MeSH D008527, MONDO:0007959, OMIM 155255, HP:0002885.

Submission:

Labcorp Genetics (formerly Invitae), Labcorp
Classification: Uncertain significance for Gorlin syndrome; Medulloblastoma. Last evaluated: 2025-03-31. Review status: criteria provided, single submitter. Criteria: Invitae Variant Classification Sherloc (09022015). Collection method: clinical testing. Allele origin: germline.
Comment: This sequence change replaces valine, which is neutral and non-polar, with methionine, which is neutral and non-polar, at codon 478 of the SUFU protein (p.Val478Met). This variant is not present in population databases (gnomAD no frequency). This variant has not been reported in the literature in individuals affected with SUFU-related conditions. An algorithm developed to predict the effect of missense changes on protein structure and function (PolyPhen-2) suggests that this variant is likely to be disruptive. Experimental studies have shown that this missense change does not substantially affect SUFU function (PMID: 28030567). In summary, the available evidence is currently insufficient to determine the role of this variant in disease. Therefore, it has been classified as a Variant of Uncertain Significance.

Literature cited by the submitters: PubMed 28030567.